The following is an entry in ClinVar:

NM_003562.5(SLC25A11):c.57C>T (p.Ser19=)

Gene: SLC25A11 (solute carrier family 25 member 11; minus strand). Cytogenetic location: 17p13.2.
Variant type: single nucleotide variant.
Coding change: c.57C>T on transcript NM_003562.5 (MANE Select); coding-DNA position 57, C replaced by T.
Protein change: p.Ser19=; no amino-acid change (serine 19 retained).
Molecular consequence: synonymous variant.
Genome position (GRCh38, 1-based): chr17:4,939,854, G>A on the plus strand (C>T on the coding strand, the complement: SLC25A11 is on the minus strand). VCF-style: chr17-4939854-G-A. GRCh37 (hg19) VCF-style: chr17-4843149-G-A.
Other names: c.57C>T, p.Ser19= (NM_001165417.2, NM_001165418.2).
Identifiers: ClinVar variation 3049461 (VCV003049461.2), dbSNP rs1311702562, ClinGen allele CA497544931.

ClinVar aggregate classification (germline): Likely benign (0 of 4 stars; one submission).

Conditions:
SLC25A11-related disorder. Also called: SLC25A11-related condition.

Allele frequency attached by ClinVar (database versions not stated): gnomAD exomes below 0.00001; TOPMed below 0.00001.
gnomAD v4.1: 6 of 1,612,866 alleles (0.00037%); highest among the groups gnomAD compares: Middle Eastern, 0.017%; no homozygotes.

Submission:

PreventionGenetics, part of Exact Sciences
Classification: Likely benign for SLC25A11-related condition. Last evaluated: 2019-07-10. Review status: no assertion criteria provided. Collection method: clinical testing. Allele origin: germline.
Comment: This variant is classified as likely benign based on ACMG/AMP sequence variant interpretation guidelines (Richards et al. 2015 PMID: 25741868, with internal and published modifications).